The following is an entry in ClinVar:

ClinVar aggregate classification (germline): Pathogenic (1 of 4 stars; one submission).

Conditions:
Early-infantile DEE. Also called: Ohtahara syndrome; Early infantile epileptic encephalopathy; Early infantile epileptic encephalopathy with suppression bursts. Identifiers: Orphanet 1934, MedGen C0393706, MONDO:0800491.

Submission:

Labcorp Genetics (formerly Invitae), Labcorp
Classification: Pathogenic for Early-infantile DEE. Last evaluated: 2023-10-15. Review status: criteria provided, single submitter. Criteria: Invitae Variant Classification Sherloc (09022015). Collection method: clinical testing. Allele origin: germline.
Comment: This sequence change replaces phenylalanine, which is neutral and non-polar, with leucine, which is neutral and non-polar, at codon 1774 of the SCN1A protein (p.Phe1774Leu). This variant is not present in population databases (gnomAD no frequency). A different variant (c.5320T>C) giving rise to the same protein effect has been determined to be pathogenic (Invitae). This suggests that this variant is also likely to be causative of disease. Advanced modeling of protein sequence and biophysical properties (such as structural, functional, and spatial information, amino acid conservation, physicochemical variation, residue mobility, and thermodynamic stability) performed at Invitae indicates that this missense variant is expected to disrupt SCN1A protein function. For these reasons, this variant has been classified as Pathogenic.

NM_001165963.4(SCN1A):c.5322C>A (p.Phe1774Leu)

Genes: SCN1A (sodium voltage-gated channel alpha subunit 1; minus strand), LOC102724058 (uncharacterized LOC102724058; plus strand). Cytogenetic location: 2q24.3.
Variant type: single nucleotide variant.
Coding change: c.5322C>A on transcript NM_001165963.4 (MANE Select); coding-DNA position 5322, C replaced by A.
Protein change: p.Phe1774Leu; replaces phenylalanine 1774 with leucine.
Molecular consequence: missense variant. On other transcripts: non-coding transcript variant (1).
Genome position (GRCh38, 1-based): chr2:165,991,953, G>T on the plus strand (C>A on the coding strand, the complement: SCN1A is on the minus strand). VCF-style: chr2-165991953-G-T. GRCh37 (hg19) VCF-style: chr2-166848463-G-T.
Other names: c.5238C>A, p.Phe1746Leu (NM_001165964.3, NM_001353957.2, NM_001353958.2); c.5322C>A, p.Phe1774Leu (NM_001202435.3, NM_001353948.2); c.5289C>A, p.Phe1763Leu (NM_001353949.2, NM_001353950.2, NM_001353951.2 and 2 more transcripts); c.5286C>A, p.Phe1762Leu (NM_001353954.2, NM_001353955.2); c.5235C>A, p.Phe1745Leu (NM_001353960.2); c.2880C>A, p.Phe960Leu (NM_001353961.2); short protein forms F1762L, F1774L, F1746L, F1763L, F1745L, F960L.
Identifiers: ClinVar variation 2760205 (VCV002760205.3), dbSNP rs2468333625, ClinGen allele CA349068168.
Genomic context (GRCh38, chr2:165,991,953, plus strand): 5'-TTCAGTAGCAACACTGAAGTTCTCCAGGATGACCGCGATGTACATGTTCACCACAACCAG[G>T]AAGGATATGATGATGTAACTGACAAAAAAGAAAATTCCAACAGATGGGTTCCCACAGTCT-3'
Protein context (NP_001159435.1, residues 1764-1784): FFFVSYIIIS[Phe1774Leu]LVVVNMYIAV